The following is an entry in ClinVar:

ClinVar aggregate classification (germline): Uncertain significance. Review status: criteria provided, multiple submitters, no conflicts (2 of 4 stars). 3 submissions from 3 submitters: Uncertain significance (3). Last evaluated 2025-08-29.

Conditions:
Inborn genetic diseases. Identifiers: MedGen C0950123, MeSH D030342.
Progressive microcephaly-seizures-cortical blindness-developmental delay syndrome. Also called: Seizures, cortical blindness, and microcephaly syndrome. Identifiers: Orphanet 477814, MedGen C5567650, MONDO:0014714, OMIM 616632.
Autosomal dominant nonsyndromic hearing loss 1. Also called: DEAFNESS, AUTOSOMAL DOMINANT 1, WITH OR WITHOUT THROMBOCYTOPENIA; KONIGSMARK SYNDROME. Identifiers: Orphanet 90635, MedGen C1852282, MONDO:0007424, OMIM 124900.

Allele frequency attached by ClinVar (database versions not stated): gnomAD 0.00001; ESP Exome Variant Server 0.00008.
gnomAD v4.1: 34 of 1,613,744 alleles (0.0021%); highest among the groups gnomAD compares: African/African-American, 0.0027%; no homozygotes.

Submissions (3):

Labcorp Genetics (formerly Invitae), Labcorp
Classification: Uncertain significance for Progressive microcephaly-seizures-cortical blindness-developmental delay syndrome; Autosomal dominant nonsyndromic hearing loss 1. Last evaluated: 2025-08-29. Review status: criteria provided, single submitter. Criteria: Invitae Variant Classification Sherloc (09022015). Collection method: clinical testing. Allele origin: germline.
Comment: This sequence change replaces valine, which is neutral and non-polar, with leucine, which is neutral and non-polar, at codon 401 of the DIAPH1 protein (p.Val401Leu). This variant is present in population databases (rs367592859, gnomAD 0.01%). This variant has not been reported in the literature in individuals affected with DIAPH1-related conditions. ClinVar contains an entry for this variant (Variation ID: 1391356). Experimental studies and prediction algorithms are not available or were not evaluated, and the functional significance of this variant is currently unknown. In summary, the available evidence is currently insufficient to determine the role of this variant in disease. Therefore, it has been classified as a Variant of Uncertain Significance.

GeneDx
Classification: Uncertain significance. Last evaluated: 2024-03-05. Review status: criteria provided, single submitter. Criteria: GeneDx Variant Classification Process June 2021. Collection method: clinical testing. Allele origin: germline. Affected: yes.
Comment: In silico analysis supports that this missense variant does not alter protein structure/function; In silico analysis is inconclusive as to whether the variant alters gene splicing. In the absence of RNA/functional studies, the actual effect of this sequence change is unknown.; Has not been previously published as pathogenic or benign to our knowledge

Ambry Genetics
Classification: Uncertain significance for Inborn genetic diseases. Last evaluated: 2023-10-06. Review status: criteria provided, single submitter. Criteria: Ambry Variant Classification Scheme 2023. Collection method: clinical testing. Allele origin: germline.

NM_005219.5(DIAPH1):c.1201G>C (p.Val401Leu)

Gene: DIAPH1 (diaphanous related formin 1; minus strand). Cytogenetic location: 5q31.3.
Variant type: single nucleotide variant.
Coding change: c.1201G>C on transcript NM_005219.5 (MANE Select); coding-DNA position 1201, G replaced by C.
Protein change: p.Val401Leu; replaces valine 401 with leucine.
Molecular consequence: missense variant.
Genome position (GRCh38, 1-based): chr5:141,577,554, C>G on the plus strand (G>C on the coding strand, the complement: DIAPH1 is on the minus strand). VCF-style: chr5-141577554-C-G. GRCh37 (hg19) VCF-style: chr5-140957121-C-G.
Other names: c.1201G>C (NM_005219.4); c.1174G>C, p.Val392Leu (NM_001079812.3); c.1201G>C, p.Val401Leu (NM_001314007.2); short protein forms V392L, V401L.
Identifiers: ClinVar variation 1391356 (VCV001391356.8), dbSNP rs367592859, ClinGen allele CA3479353.